The following is an entry in ClinVar:

ClinVar aggregate classification (germline): Uncertain significance (1 of 4 stars; one submission).

Conditions:
Genitopatellar syndrome (GTPTS). Also called: Genitopatellar syndrome (GPS); ABSENT PATELLAE, SCROTAL HYPOPLASIA, RENAL ANOMALIES, FACIAL DYSMORPHISM, AND MENTAL RETARDATION. Identifiers: Orphanet 85201, MedGen C1853566, MONDO:0011640, OMIM 606170.

Allele frequency attached by ClinVar (database versions not stated): gnomAD exomes below 0.00001.
gnomAD v4.1: 1 of 1,613,566 alleles (0.000062%); highest among the groups gnomAD compares: Non-Finnish European, 0.000085%; no homozygotes.

Submission:

Labcorp Genetics (formerly Invitae), Labcorp
Classification: Uncertain significance for Genitopatellar syndrome. Last evaluated: 2023-02-03. Review status: criteria provided, single submitter. Criteria: Invitae Variant Classification Sherloc (09022015). Collection method: clinical testing. Allele origin: germline.
Comment: This sequence change replaces threonine, which is neutral and polar, with serine, which is neutral and polar, at codon 732 of the KAT6B protein (p.Thr732Ser). This variant is not present in population databases (gnomAD no frequency). This variant has not been reported in the literature in individuals affected with KAT6B-related conditions. Advanced modeling of protein sequence and biophysical properties (such as structural, functional, and spatial information, amino acid conservation, physicochemical variation, residue mobility, and thermodynamic stability) performed at Invitae indicates that this missense variant is not expected to disrupt KAT6B protein function. In summary, the available evidence is currently insufficient to determine the role of this variant in disease. Therefore, it has been classified as a Variant of Uncertain Significance.

NM_012330.4(KAT6B):c.2195C>G (p.Thr732Ser)

Gene: KAT6B (lysine acetyltransferase 6B; plus strand). Cytogenetic location: 10q22.2.
Variant type: single nucleotide variant.
Coding change: c.2195C>G on transcript NM_012330.4 (MANE Select); coding-DNA position 2195, C replaced by G.
Protein change: p.Thr732Ser; replaces threonine 732 with serine.
Molecular consequence: missense variant. On other transcripts: intron variant (2).
Genome position (GRCh38, 1-based): chr10:74,979,303, C>G. VCF-style: chr10-74979303-C-G. GRCh37 (hg19) VCF-style: chr10-76739061-C-G.
Other names: c.1646C>G, p.Thr549Ser (NM_001256468.2, NM_001370138.1); c.1319C>G, p.Thr440Ser (NM_001256469.2, NM_001370132.1, NM_001370139.1 and 3 more transcripts); c.272C>G, p.Thr91Ser (NM_001370134.1); c.2195C>G, p.Thr732Ser (NM_001370136.1, NM_001370137.1); c.1130C>G, p.Thr377Ser (NM_001370143.1, NM_001370144.1); c.846+9528C>G (NM_001370133.1); c.193-9716C>G (NM_001370135.1); short protein forms T549S, T377S, T91S, T732S, T440S.
Identifiers: ClinVar variation 2834342 (VCV002834342.3), dbSNP rs2548975925, ClinGen allele CA377292253.